The following is an entry in ClinVar:

ClinVar aggregate classification (germline): Likely pathogenic (1 of 4 stars; one submission).

Conditions:
Hereditary hyperinsulinism.

Submission:

Natera, Inc.
Classification: Likely pathogenic for Hereditary hyperinsulinism. Last evaluated: 2025-03-19. Review status: criteria provided, single submitter. Criteria: Natera Variant Classification Schema (03/2026). Collection method: clinical testing. Allele origin: germline.
Comment: The c.1176G>A variant in ABCC8 is a synonymous variant that does not alter the encoded amino acid at position 392 (p.Q392=). This variant is rare in the general population with a frequency below the threshold expected for the associated phenotype(s). This variant has been observed in affected individual(s) with monoallelic occurrence (heterozygous/hemizygous) (PMID: 24401662, 24814349, 33410562). Functional studies show that this variant may disrupt protein function (PMID: 33410562). Computational prediction algorithms indicate this variant is likely to affect gene or protein function. Given the available evidence, this variant is classified as Likely Pathogenic.

Literature cited by the submitters: PubMed 24401662; PubMed 24814349; PubMed 33410562.

NM_000352.6(ABCC8):c.1176G>A (p.Gln392=)

Gene: ABCC8 (ATP binding cassette subfamily C member 8; minus strand). Cytogenetic location: 11p15.1.
Variant type: single nucleotide variant.
Coding change: c.1176G>A on transcript NM_000352.6 (MANE Select); coding-DNA position 1176, G replaced by A.
Protein change: p.Gln392=; no amino-acid change (glutamine 392 retained).
Molecular consequence: synonymous variant. On other transcripts: non-coding transcript variant (1).
Genome position (GRCh38, 1-based): chr11:17,453,119, C>T on the plus strand (G>A on the coding strand, the complement: ABCC8 is on the minus strand). VCF-style: chr11-17453119-C-T. GRCh37 (hg19) VCF-style: chr11-17474666-C-T.
Other names: c.1176G>A, p.Gln392= (NM_001287174.3, NM_001351295.2); c.1173G>A, p.Gln391= (NM_001351296.2, NM_001351297.2).
Identifiers: ClinVar variation 4818232 (VCV004818232.1).